The following is an entry in ClinVar:

NM_002470.4(MYH3):c.3609G>C (p.Glu1203Asp)

Gene: MYH3 (myosin heavy chain 3; minus strand). Cytogenetic location: 17p13.1.
Variant type: single nucleotide variant.
Coding change: c.3609G>C on transcript NM_002470.4 (MANE Select); coding-DNA position 3609, G replaced by C.
Protein change: p.Glu1203Asp; replaces glutamic acid 1203 with aspartic acid.
Molecular consequence: missense variant.
Genome position (GRCh38, 1-based): chr17:10,638,163, C>G on the plus strand (G>C on the coding strand, the complement: MYH3 is on the minus strand). VCF-style: chr17-10638163-C-G. GRCh37 (hg19) VCF-style: chr17-10541480-C-G.
Other names: c.3609G>C (NM_002470.3); short protein forms E1203D.
Identifiers: ClinVar variation 2168470 (VCV002168470.7), dbSNP rs368299686, ClinGen allele CA287783778.

ClinVar aggregate classification (germline): Uncertain significance. Review status: criteria provided, multiple submitters, no conflicts (2 of 4 stars). 3 submissions from 3 submitters: Uncertain significance (3). Last evaluated 2025-01-20.

Conditions:
Inborn genetic diseases. Identifiers: MedGen C0950123, MeSH D030342.

Allele frequency attached by ClinVar (database versions not stated): gnomAD 0.00001; TOPMed 0.00002.
gnomAD v4.1: 7 of 1,613,852 alleles (0.00043%); highest among the groups gnomAD compares: African/African-American, 0.0067%; no homozygotes.

Submissions (3):

Ambry Genetics
Classification: Uncertain significance for Inborn genetic diseases. Last evaluated: 2025-01-20. Review status: criteria provided, single submitter. Criteria: Ambry Variant Classification Scheme 2023. Collection method: clinical testing. Allele origin: germline.

GeneDx
Classification: Uncertain significance. Last evaluated: 2024-02-21. Review status: criteria provided, single submitter. Criteria: GeneDx Variant Classification Process June 2021. Collection method: clinical testing. Allele origin: germline. Affected: yes.
Comment: Not observed at significant frequency in large population cohorts (gnomAD); In silico analysis supports that this missense variant does not alter protein structure/function; Has not been previously published as pathogenic or benign to our knowledge

Labcorp Genetics (formerly Invitae), Labcorp
Classification: Uncertain significance. Last evaluated: 2024-02-20. Review status: criteria provided, single submitter. Criteria: Invitae Variant Classification Sherloc (09022015). Collection method: clinical testing. Allele origin: germline.
Comment: This sequence change replaces glutamic acid, which is acidic and polar, with aspartic acid, which is acidic and polar, at codon 1203 of the MYH3 protein (p.Glu1203Asp). This variant is present in population databases (no rsID available, gnomAD 0.004%). This variant has not been reported in the literature in individuals affected with MYH3-related conditions. ClinVar contains an entry for this variant (Variation ID: 2168470). Advanced modeling of protein sequence and biophysical properties (such as structural, functional, and spatial information, amino acid conservation, physicochemical variation, residue mobility, and thermodynamic stability) performed at Invitae indicates that this missense variant is not expected to disrupt MYH3 protein function with a negative predictive value of 95%. In summary, the available evidence is currently insufficient to determine the role of this variant in disease. Therefore, it has been classified as a Variant of Uncertain Significance.